The following is an entry in ClinVar:

ClinVar aggregate classification (germline): Uncertain significance. Review status: criteria provided, multiple submitters, no conflicts (2 of 4 stars). 2 submissions from 2 submitters: Uncertain significance (2). Last evaluated 2026-08-26.

Conditions:
ADGRV1-related disorder. Also called: ADGRV1-related condition; ADGRV1-related disorders.

Allele frequency attached by ClinVar (database versions not stated): gnomAD exomes below 0.00001.
gnomAD v4.1: 1 of 1,610,982 alleles (0.000062%); no homozygotes.

Submissions (2):

PreventionGenetics, part of Exact Sciences
Classification: Uncertain significance for ADGRV1-related condition. Last evaluated: 2026-08-26. Review status: criteria provided, single submitter. Criteria: ACMG Guidelines, 2015. Collection method: clinical testing. Allele origin: germline.
Comment: The ADGRV1 c.15056A>G variant is predicted to result in the amino acid substitution p.Asp5019Gly. To our knowledge, this variant has not been reported in the literature. This variant has been reported in 1 heterozygous individual within the ‘other’ subpopulation in gnomAD. At this time, the clinical significance of this variant is uncertain due to the absence of conclusive functional and genetic evidence.

Labcorp Genetics (formerly Invitae), Labcorp
Classification: Uncertain significance. Last evaluated: 2022-09-06. Review status: criteria provided, single submitter. Criteria: Invitae Variant Classification Sherloc (09022015). Collection method: clinical testing. Allele origin: germline.
Comment: This sequence change replaces aspartic acid, which is acidic and polar, with glycine, which is neutral and non-polar, at codon 5019 of the ADGRV1 protein (p.Asp5019Gly). The frequency data for this variant in the population databases is considered unreliable, as metrics indicate poor data quality at this position in the gnomAD database. This variant has not been reported in the literature in individuals affected with ADGRV1-related conditions. ClinVar contains an entry for this variant (Variation ID: 1025444). Algorithms developed to predict the effect of missense changes on protein structure and function output the following: SIFT: "Deleterious"; PolyPhen-2: "Benign"; Align-GVGD: "Class C0". The glycine amino acid residue is found in multiple mammalian species, which suggests that this missense change does not adversely affect protein function. Algorithms developed to predict the effect of sequence changes on RNA splicing suggest that this variant may create or strengthen a splice site. In summary, the available evidence is currently insufficient to determine the role of this variant in disease. Therefore, it has been classified as a Variant of Uncertain Significance.

NM_032119.4(ADGRV1):c.15056A>G (p.Asp5019Gly)

Gene: ADGRV1 (adhesion G protein-coupled receptor V1; plus strand). Cytogenetic location: 5q14.3.
Variant type: single nucleotide variant.
Coding change: c.15056A>G on transcript NM_032119.4 (MANE Select); coding-DNA position 15056, A replaced by G.
Protein change: p.Asp5019Gly; replaces aspartic acid 5019 with glycine.
Molecular consequence: missense variant. On other transcripts: non-coding transcript variant (1).
Genome position (GRCh38, 1-based): chr5:90,810,316, A>G. VCF-style: chr5-90810316-A-G. GRCh37 (hg19) VCF-style: chr5-90106133-A-G.
Other names: c.15056A>G (NM_032119.3); short protein forms D5019G.
Identifiers: ClinVar variation 1025444 (VCV001025444.7), dbSNP rs1433699213, ClinGen allele CA360407345.